The following is an entry in ClinVar:

ClinVar aggregate classification (germline): Uncertain significance (1 of 4 stars; one submission).

Conditions:
Inborn genetic diseases. Identifiers: MedGen C0950123, MeSH D030342.

Submission:

Ambry Genetics
Classification: Uncertain significance for Inborn genetic diseases. Last evaluated: 2026-03-23. Review status: criteria provided, single submitter. Criteria: Ambry Variant Classification Scheme 2023. Collection method: clinical testing. Allele origin: germline.
Comment: The c.1202G>A (p.G401D) alteration is located in exon 20 (coding exon 19) of the COL4A2 gene. This alteration results from a G to A substitution at nucleotide position 1202, causing the glycine (G) at amino acid position 401 to be replaced by an aspartic acid (D). Based on data from gnomAD, the A allele has an overall frequency of <0.001% (1/249138) total alleles studied. The highest observed frequency was 0.001% (1/112978) of European (non-Finnish) alleles. Based on insufficient or conflicting evidence, the clinical significance of this alteration remains unclear.

NM_001846.4(COL4A2):c.1202G>A (p.Gly401Asp)

Gene: COL4A2 (collagen type IV alpha 2 chain; plus strand). Cytogenetic location: 13q34.
Variant type: single nucleotide variant.
Coding change: c.1202G>A on transcript NM_001846.4 (MANE Select); coding-DNA position 1202, G replaced by A.
Protein change: p.Gly401Asp; replaces glycine 401 with aspartic acid.
Molecular consequence: missense variant.
Genome position (GRCh38, 1-based): chr13:110,450,317, G>A. VCF-style: chr13-110450317-G-A. GRCh37 (hg19) VCF-style: chr13-111102664-G-A.
Other names: short protein forms G401D.
Identifiers: ClinVar variation 4869191 (VCV004869191.1).
Genomic context (GRCh38, chr13:110,450,317, plus strand): 5'-GTGTGGTATGGGAGACTCACGCTGCAGGTGAATGCTGTTTGGTTTCAGATCAGAGGAGAG[G>A]CCTGCCGGGTGAGATGGGACCCAAGGGCTTCATCGGAGACCCCGGCATCCCTGCGCTCTA-3'
Protein context (NP_001837.2, residues 391-411): LSIGDGDQRR[Gly401Asp]LPGEMGPKGF